The following is an entry in ClinVar:

ClinVar aggregate classification (germline): Uncertain significance (1 of 4 stars; one submission).

Conditions:
Fanconi anemia (FA). Also called: Fanconi's anemia. Identifiers: Orphanet 84, MedGen C0015625, MeSH D005199, MONDO:0019391.

Submission:

Labcorp Genetics (formerly Invitae), Labcorp
Classification: Uncertain significance for Fanconi anemia. Last evaluated: 2021-02-14. Review status: criteria provided, single submitter. Criteria: Invitae Variant Classification Sherloc (09022015). Collection method: clinical testing. Allele origin: germline.
Comment: In summary, the available evidence is currently insufficient to determine the role of this variant in disease. Therefore, it has been classified as a Variant of Uncertain Significance. Algorithms developed to predict the effect of missense changes on protein structure and function (SIFT, PolyPhen-2, Align-GVGD) all suggest that this variant is likely to be tolerated, but these predictions have not been confirmed by published functional studies and their clinical significance is uncertain. This variant has not been reported in the literature in individuals with FANCI-related conditions. This variant is present in population databases (rs767830108, ExAC 0.02%). This sequence change replaces arginine with serine at codon 498 of the FANCI protein (p.Arg498Ser). The arginine residue is weakly conserved and there is a moderate physicochemical difference between arginine and serine.

NM_001113378.2(FANCI):c.1494G>T (p.Arg498Ser)

Gene: FANCI (FA complementation group I; plus strand). Cytogenetic location: 15q26.1.
Variant type: single nucleotide variant.
Coding change: c.1494G>T on transcript NM_001113378.2 (MANE Select); coding-DNA position 1494, G replaced by T.
Protein change: p.Arg498Ser; replaces arginine 498 with serine.
Molecular consequence: missense variant.
Genome position (GRCh38, 1-based): chr15:89,281,282, G>T. VCF-style: chr15-89281282-G-T. GRCh37 (hg19) VCF-style: chr15-89824513-G-T.
Other names: c.1215G>T, p.Arg405Ser (NM_001376910.1); c.1494G>T, p.Arg498Ser (NM_001376911.1, NM_018193.3); short protein forms R405S, R498S.
Identifiers: ClinVar variation 1472842 (VCV001472842.8), dbSNP rs767830108, ClinGen allele CA7723032.